The following is an entry in ClinVar:

NM_001854.4(COL11A1):c.1000G>C (p.Val334Leu)

Gene: COL11A1 (collagen type XI alpha 1 chain; minus strand). Cytogenetic location: 1p21.1.
Variant type: single nucleotide variant.
Coding change: c.1000G>C on transcript NM_001854.4 (MANE Select); coding-DNA position 1000, G replaced by C.
Protein change: p.Val334Leu; replaces valine 334 with leucine.
Molecular consequence: missense variant. On other transcripts: non-coding transcript variant (1), intron variant (1).
Genome position (GRCh38, 1-based): chr1:103,022,987, C>G on the plus strand (G>C on the coding strand, the complement: COL11A1 is on the minus strand). VCF-style: chr1-103022987-C-G. GRCh37 (hg19) VCF-style: chr1-103488543-C-G.
Other names: c.883G>C, p.Val295Leu (NM_001190709.2); c.1036G>C, p.Val346Leu (NM_080629.3); c.898-1218G>C (NM_080630.4); short protein forms V295L, V334L, V346L.
Identifiers: ClinVar variation 3678700 (VCV003678700.2).
Genomic context (GRCh38, chr1:103,022,987, plus strand): 5'-TTTTCCTCTGGGAATCATAATCCTCTCCCGTTAGATATTCTTCAGTAAATATTTCTTCAA[C>G]TGGATTTGGCTATTAATTTAAATTGCAAGGAATTGAGGAACATGAAGTTTATTGTTAGTA-3'
Protein context (NP_001845.3, residues 324-344): HVSGTNEPNP[Val334Leu]EEIFTEEYLT

ClinVar aggregate classification (germline): Uncertain significance (1 of 4 stars; one submission).

gnomAD v4.1: 1 of 1,612,290 alleles (0.000062%); highest among the groups gnomAD compares: Non-Finnish European, 0.000085%; no homozygotes.

Submission:

Labcorp Genetics (formerly Invitae), Labcorp
Classification: Uncertain significance. Last evaluated: 2025-04-29. Review status: criteria provided, single submitter. Criteria: Invitae Variant Classification Sherloc (09022015). Collection method: clinical testing. Allele origin: germline.
Comment: This sequence change replaces valine, which is neutral and non-polar, with leucine, which is neutral and non-polar, at codon 334 of the COL11A1 protein (p.Val334Leu). This variant is not present in population databases (gnomAD no frequency). This variant has not been reported in the literature in individuals affected with COL11A1-related conditions. ClinVar contains an entry for this variant (Variation ID: 3678700). Invitae Evidence Modeling of protein sequence and biophysical properties (such as structural, functional, and spatial information, amino acid conservation, physicochemical variation, residue mobility, and thermodynamic stability) indicates that this missense variant is not expected to disrupt COL11A1 protein function with a negative predictive value of 95%. In summary, the available evidence is currently insufficient to determine the role of this variant in disease. Therefore, it has been classified as a Variant of Uncertain Significance.